The following is an entry in ClinVar:

ClinVar aggregate classification (germline): Likely benign (1 of 4 stars; one submission).

Conditions:
Monogenic diabetes. Identifiers: Orphanet 183625, MedGen C3888631, MONDO:0015967.

Submission:

Personalized Diabetes Medicine Program, University of Maryland School of Medicine
Classification: Likely benign for Monogenic diabetes. Last evaluated: 2016-09-09. Review status: criteria provided, single submitter. Criteria: ACMG Guidelines, 2015. Collection method: research. Allele origin: unknown. Observed: 1 variant allele, 1 heterozygote.
Comment: ACMG Criteria: PM2, PP3, BP4, BP5

NM_002711.4(PPP1R3A):c.416C>G (p.Ser139Cys)

Gene: PPP1R3A (protein phosphatase 1 regulatory subunit 3A; minus strand). Cytogenetic location: 7q31.1.
Variant type: single nucleotide variant.
Coding change: c.416C>G on transcript NM_002711.4 (MANE Select); coding-DNA position 416, C replaced by G.
Protein change: p.Ser139Cys; replaces serine 139 with cysteine.
Molecular consequence: missense variant.
Genome position (GRCh38, 1-based): chr7:113,918,581, G>C on the plus strand (C>G on the coding strand, the complement: PPP1R3A is on the minus strand). VCF-style: chr7-113918581-G-C. GRCh37 (hg19) VCF-style: chr7-113558636-G-C.
Other names: short protein forms S139C.
Identifiers: ClinVar variation 393406 (VCV000393406.1), dbSNP rs1057524893, ClinGen allele CA16609256.
Genomic context (GRCh38, chr7:113,918,581, plus strand): 5'-ACATATACTAACTTCTCAAAAGAAACATTCAAAACTCGAATAATACCCTTGATACTTGTA[G>C]ACCCAAGAAGAGACTCAGTTGACTCCAGTATTGCTTTCTGTATTTGGAGTTGTTGCATAA-3'
Protein context (NP_002702.2, residues 129-149): ILESTESLLG[Ser139Cys]TSIKGIIRVL